The following is an entry in ClinVar:

ClinVar aggregate classification (germline): Uncertain significance. Review status: criteria provided, multiple submitters, no conflicts (2 of 4 stars). 2 submissions from 2 submitters: Uncertain significance (2). Last evaluated 2025-07-16.

Conditions:
Inborn genetic diseases. Identifiers: MedGen C0950123, MeSH D030342.

Allele frequency attached by ClinVar (database versions not stated): gnomAD exomes below 0.00001.
gnomAD v4.1: 2 of 1,551,654 alleles (0.00013%); highest among the groups gnomAD compares: Non-Finnish European, 0.00017%; no homozygotes.

Submissions (2):

Ambry Genetics
Classification: Uncertain significance for Inborn genetic diseases. Last evaluated: 2025-07-16. Review status: criteria provided, single submitter. Criteria: Ambry Variant Classification Scheme 2023. Collection method: clinical testing. Allele origin: germline.

Labcorp Genetics (formerly Invitae), Labcorp
Classification: Uncertain significance. Last evaluated: 2022-02-14. Review status: criteria provided, single submitter. Criteria: Invitae Variant Classification Sherloc (09022015). Collection method: clinical testing. Allele origin: germline.
Comment: In summary, the available evidence is currently insufficient to determine the role of this variant in disease. Therefore, it has been classified as a Variant of Uncertain Significance. Algorithms developed to predict the effect of missense changes on protein structure and function are either unavailable or do not agree on the potential impact of this missense change (SIFT: "Not Available"; PolyPhen-2: "Benign"; Align-GVGD: "Not Available"). This variant has not been reported in the literature in individuals affected with UNC80-related conditions. This variant is present in population databases (no rsID available, gnomAD 0.002%). This sequence change replaces methionine, which is neutral and non-polar, with threonine, which is neutral and polar, at codon 2763 of the UNC80 protein (p.Met2763Thr).

NM_001371986.1(UNC80):c.8486T>C (p.Met2829Thr)

Gene: UNC80 (unc-80 subunit of NALCN channel complex; plus strand). Cytogenetic location: 2q34.
Variant type: single nucleotide variant.
Coding change: c.8486T>C on transcript NM_001371986.1 (MANE Select); coding-DNA position 8486, T replaced by C.
Protein change: p.Met2829Thr; replaces methionine 2829 with threonine.
Molecular consequence: missense variant.
Genome position (GRCh38, 1-based): chr2:209,973,169, T>C. VCF-style: chr2-209973169-T-C. GRCh37 (hg19) VCF-style: chr2-210837893-T-C.
Other names: c.8288T>C, p.Met2763Thr (NM_032504.2); c.8273T>C, p.Met2758Thr (NM_182587.4); c.8288T>C (NM_032504.1); short protein forms M2763T, M2758T, M2829T.
Identifiers: ClinVar variation 2097563 (VCV002097563.5), dbSNP rs1302717831, ClinGen allele CA350413332.